The following is an entry in ClinVar:

ClinVar aggregate classification (germline): Likely pathogenic (1 of 4 stars; one submission).

Conditions:
Dilated cardiomyopathy 1G (CMD1G). Identifiers: Orphanet 154, MedGen C1858763, MONDO:0011400, OMIM 604145.
Autosomal recessive limb-girdle muscular dystrophy type 2J (LGMDR10). Also called: Limb-girdle muscular dystrophy, type 2J; MUSCULAR DYSTROPHY, LIMB-GIRDLE, AUTOSOMAL RECESSIVE 10. Identifiers: Orphanet 140922, MedGen C1837342, MONDO:0012127, OMIM 608807.

Submission:

Labcorp Genetics (formerly Invitae), Labcorp
Classification: Likely pathogenic for Dilated cardiomyopathy 1G; Autosomal recessive limb-girdle muscular dystrophy type 2J. Last evaluated: 2023-03-30. Review status: criteria provided, single submitter. Criteria: Invitae Variant Classification Sherloc (09022015). Collection method: clinical testing. Allele origin: germline.
Comment: In summary, the currently available evidence indicates that the variant is pathogenic, but additional data are needed to prove that conclusively. Therefore, this variant has been classified as Likely Pathogenic. This variant is located in the A band of TTN (PMID: 25589632). Truncating variants in this region are significantly overrepresented in patients affected with dilated cardiomyopathy (PMID: 25589632). Truncating variants in this region have also been reported in individuals affected with autosomal recessive centronuclear myopathy (PMID: 23975875). This variant has not been reported in the literature in individuals affected with TTN-related conditions. This variant is not present in population databases (gnomAD no frequency). This sequence change creates a premature translational stop signal (p.Tyr29769*) in the TTN gene. While this is not anticipated to result in nonsense mediated decay, it is expected to disrupt the last 6223 amino acid(s) of the TTN protein.

Literature cited by the submitters: PubMed 25589632; PubMed 23975875.

NM_001267550.2(TTN):c.89307T>G (p.Tyr29769Ter)

Genes: TTN-AS1 (TTN antisense RNA 1; plus strand), TTN (titin; minus strand). Cytogenetic location: 2q31.2.
Variant type: single nucleotide variant.
Coding change: c.89307T>G on transcript NM_001267550.2 (MANE Select); coding-DNA position 89307, T replaced by G.
Protein change: p.Tyr29769Ter; replaces tyrosine 29769 with a stop codon.
Molecular consequence: nonsense.
Genome position (GRCh38, 1-based): chr2:178,553,698, A>C on the plus strand (T>G on the coding strand, the complement: TTN is on the minus strand). VCF-style: chr2-178553698-A-C. GRCh37 (hg19) VCF-style: chr2-179418425-A-C.
Other names: c.84384T>G, p.Tyr28128Ter (NM_001256850.1); c.62112T>G, p.Tyr20704Ter (NM_003319.4); c.81603T>G, p.Tyr27201Ter (NM_133378.4); c.62487T>G, p.Tyr20829Ter (NM_133432.3); c.62688T>G, p.Tyr20896Ter (NM_133437.4); short protein forms Y20704*, Y29769*, Y27201*, Y20829*, Y20896*, Y28128*.
Identifiers: ClinVar variation 2945111 (VCV002945111.3), dbSNP rs2469337078, ClinGen allele CA349519374.